The following is an entry in ClinVar:

ClinVar aggregate classification (germline): Uncertain significance. Review status: criteria provided, multiple submitters, no conflicts (2 of 4 stars). 2 submissions from 2 submitters: Uncertain significance (2). Last evaluated 2023-12-19.

Allele frequency attached by ClinVar (database versions not stated): ExAC 0.00001; TOPMed 0.00005; gnomAD 0.00006; ESP Exome Variant Server 0.00008.
gnomAD v4.1: 99 of 1,611,796 alleles (0.0061%); highest among the groups gnomAD compares: Non-Finnish European, 0.0081%; no homozygotes.

Submissions (2):

Blueprint Genetics
Classification: Uncertain significance. Last evaluated: 2023-12-19. Review status: criteria provided, single submitter. Criteria: ACMG Guidelines, 2015. Collection method: clinical testing. Allele origin: germline.

GeneDx
Classification: Uncertain significance. Last evaluated: 2022-12-02. Review status: criteria provided, single submitter. Criteria: GeneDx Variant Classification Process June 2021. Collection method: clinical testing. Allele origin: germline. Affected: yes.
Comment: In silico analysis supports that this missense variant does not alter protein structure/function; Has not been previously published as pathogenic or benign to our knowledge

NM_000503.6(EYA1):c.197G>T (p.Gly66Val)

Gene: EYA1 (EYA transcriptional coactivator and phosphatase 1; minus strand). Cytogenetic location: 8q13.3.
Variant type: single nucleotide variant.
Coding change: c.197G>T on transcript NM_000503.6 (MANE Select); coding-DNA position 197, G replaced by T.
Protein change: p.Gly66Val; replaces glycine 66 with valine.
Molecular consequence: missense variant. On other transcripts: 5 prime UTR variant (1).
Genome position (GRCh38, 1-based): chr8:71,334,102, C>A on the plus strand (G>T on the coding strand, the complement: EYA1 is on the minus strand). VCF-style: chr8-71334102-C-A. GRCh37 (hg19) VCF-style: chr8-72246337-C-A.
Other names: c.197G>T, p.Gly66Val (NM_001288574.2, NM_001370334.1, NM_001370335.1 and 1 more transcripts); c.-88G>T (NM_001288575.2); c.284G>T, p.Gly95Val (NM_001370333.1, NM_001370336.1, NM_172059.5); c.98G>T, p.Gly33Val (NM_001411797.1, NM_172060.4); short protein forms G33V, G66V, G95V.
Identifiers: ClinVar variation 1804439 (VCV001804439.2), dbSNP rs149289196, ClinGen allele CA4779865.